The following is an entry in ClinVar:

ClinVar aggregate classification (germline): Pathogenic/Likely pathogenic. Review status: criteria provided, multiple submitters, no conflicts (2 of 4 stars). 2 submissions from 2 submitters: Pathogenic (1); Likely pathogenic (1). Last evaluated 2025-12-14.

Conditions:
KCNH2-related long QT syndrome.

Submissions (2):

Dasa
Classification: Likely pathogenic for KCNH2-related long QT syndrome. Last evaluated: 2025-12-14. Review status: criteria provided, single submitter. Criteria: DASA Assertion Criteria. Collection method: clinical testing. Allele origin: germline.
Comment: NM_000238.4(KCNH2):c.3041_3081dup (p.Ser1028Aspfs*43) is a frameshift variant in KCNH2 predicted to alter the reading frame and introduce a premature termination codon and is predicted to result in an absent or altered protein product. Loss of function is an established disease mechanism for KCNH2 (PMID: 18774102; PMID: 24530480). Also, this variant is absent from population databases. Based on the currently available evidence, this variant is classified as likely pathogenic.

CeGaT Center for Human Genetics Tuebingen
Classification: Pathogenic. Last evaluated: 2025-08-01. Review status: criteria provided, single submitter. Criteria: CeGaT Center For Human Genetics Tuebingen Variant Classification Criteria Version 2. Collection method: clinical testing. Allele origin: germline. Affected: yes. Observed: 1 variant allele.
Comment: KCNH2: PVS1, PM2

Literature cited by the submitters: PubMed 18774102 (cited by Dasa); PubMed 24530480 (cited by Dasa).

NM_000238.4(KCNH2):c.3041_3081dup (p.Ser1028fs)

Gene: KCNH2 (potassium voltage-gated channel subfamily H member 2; minus strand). Cytogenetic location: 7q36.1.
Variant type: Duplication.
Coding change: c.3041_3081dup on transcript NM_000238.4 (MANE Select); coding-DNA positions 3041 to 3081, 41 bases duplicated.
Protein change: p.Ser1028fs; shifts the reading frame from serine 1028.
Molecular consequence: frameshift variant. On other transcripts: non-coding transcript variant (2).
Genome position (GRCh38, 1-based): chr7:150,947,399-150,947,439, 41 bases duplicated; duplicating any 41 consecutive bases within chr7:150,947,399-150,947,444 gives the same sequence; the c. name uses the placement nearest the transcript's 3' end. GRCh37 (hg19): chr7:150,644,492-150,644,532.
Other names: c.2753_2793dup, p.Ser932fs (NM_001406753.1); c.2021_2061dup, p.Ser688fs (NM_172057.3); short protein forms S1028fs, S688fs, S932fs.
Identifiers: ClinVar variation 4281328 (VCV004281328.9).